The following is an entry in ClinVar:

NM_006312.6(NCOR2):c.2793C>T (p.Gly931=)

Gene: NCOR2 (nuclear receptor corepressor 2; minus strand). Cytogenetic location: 12q24.31.
Variant type: single nucleotide variant.
Coding change: c.2793C>T on transcript NM_006312.6 (MANE Select); coding-DNA position 2793, C replaced by T.
Protein change: p.Gly931=; no amino-acid change (glycine 931 retained).
Molecular consequence: synonymous variant.
Genome position (GRCh38, 1-based): chr12:124,372,036, G>A on the plus strand (C>T on the coding strand, the complement: NCOR2 is on the minus strand). VCF-style: chr12-124372036-G-A. GRCh37 (hg19) VCF-style: chr12-124856582-G-A.
Other names: c.2739C>T, p.Gly913= (NM_001077261.4, NM_001206654.2).
Identifiers: ClinVar variation 2643560 (VCV002643560.24), dbSNP rs765331640, ClinGen allele CA6868953.
Genomic context (GRCh38, chr12:124,372,036, plus strand): 5'-GTCTGCAGACAAAAGCCAAGGTTAGGGCTGCCTGGCGCCCACTCACCGGTTCTTGTCGCC[G>A]CCCTCGGCCTCATCCACCTCGTCTGCACTGCAGGTAGCACTGGAGTCGCTGTCCTGGGGG-3'
Protein context (NP_006303.4, residues 921-941): CSADEVDEAE[Gly931=]GDKNRLLSPR

ClinVar aggregate classification (germline): Likely benign (1 of 4 stars; one submission).

Allele frequency attached by ClinVar (database versions not stated): gnomAD 0.00007; TOPMed 0.00007; ExAC 0.00013; gnomAD exomes 0.00015.
gnomAD v4.1: 214 of 1,590,162 alleles (0.013%); highest among the groups gnomAD compares: Middle Eastern, 0.083%; no homozygotes.

Submission:

CeGaT Center for Human Genetics Tuebingen
Classification: Likely benign. Last evaluated: 2022-12-01. Review status: criteria provided, single submitter. Criteria: CeGaT Center For Human Genetics Tuebingen Variant Classification Criteria Version 2. Collection method: clinical testing. Allele origin: germline. Affected: yes. Observed: 1 variant allele.
Comment: NCOR2: BP4, BP7